The following is an entry in ClinVar:

ClinVar aggregate classification (germline): Pathogenic (1 of 4 stars; one submission).

Conditions:
Combined immunodeficiency due to DOCK8 deficiency (HIES2). Also called: HYPER-IgE SYNDROME 2, AUTOSOMAL RECESSIVE, WITH RECURRENT INFECTIONS; DOCK8 Deficiency; Hyper-IgE recurrent infection syndrome, autosomal recessive; HIES autosomal recessive; HYPER-IgE RECURRENT INFECTION SYNDROME 2, AUTOSOMAL RECESSIVE. Identifiers: Orphanet 217390, MedGen C4722305, MONDO:0009478, OMIM 243700.

Submission:

Labcorp Genetics (formerly Invitae), Labcorp
Classification: Pathogenic for Combined immunodeficiency due to DOCK8 deficiency. Last evaluated: 2024-10-16. Review status: criteria provided, single submitter. Criteria: Invitae Variant Classification Sherloc (09022015). Collection method: clinical testing. Allele origin: germline.
Comment: This sequence change creates a premature translational stop signal (p.Tyr242*) in the DOCK8 gene. It is expected to result in an absent or disrupted protein product. Loss-of-function variants in DOCK8 are known to be pathogenic (PMID: 14722525, 19776401). This variant is not present in population databases (gnomAD no frequency). This variant has not been reported in the literature in individuals affected with DOCK8-related conditions. For these reasons, this variant has been classified as Pathogenic.

Literature cited by the submitters: PubMed 14722525; PubMed 19776401.

NM_203447.4(DOCK8):c.726C>G (p.Tyr242Ter)

Gene: DOCK8 (dedicator of cytokinesis 8; plus strand). Cytogenetic location: 9p24.3.
Variant type: single nucleotide variant.
Coding change: c.726C>G on transcript NM_203447.4 (MANE Select); coding-DNA position 726, C replaced by G.
Protein change: p.Tyr242Ter; replaces tyrosine 242 with a stop codon.
Molecular consequence: nonsense.
Genome position (GRCh38, 1-based): chr9:312,151, C>G. VCF-style: chr9-312151-C-G. GRCh37 (hg19) VCF-style: chr9-312151-C-G.
Other names: c.522C>G, p.Tyr174Ter (NM_001190458.2, NM_001193536.2); short protein forms Y242*, Y174*.
Identifiers: ClinVar variation 3722999 (VCV003722999.2).